The following is an entry in ClinVar:

ClinVar aggregate classification (germline): Benign/Likely benign. Review status: criteria provided, multiple submitters, no conflicts (2 of 4 stars). 4 submissions from 4 submitters: Benign (1); Likely benign (3). Last evaluated 2024-03-18.

Conditions:
Hereditary cancer-predisposing syndrome. Also called: Hereditary Cancer Syndrome; Hereditary neoplastic syndrome; Tumor predisposition; Neoplastic Syndromes, Hereditary. Identifiers: Orphanet 140162, MedGen C0027672, MeSH D009386, MONDO:0015356.
Classic or attenuated familial adenomatous polyposis. Identifiers: MedGen CN372698, MONDO:0021057.
Familial adenomatous polyposis 1 (FAP1). Also called: FAMILIAL ADENOMATOUS POLYPOSIS 1, ATTENUATED; POLYPOSIS, ADENOMATOUS INTESTINAL. Identifiers: MedGen C2713442, MONDO:0021056, OMIM 175100. Disease mechanism: loss of function.

Submissions (4):

Myriad Genetics, Inc.
Classification: Benign for Familial adenomatous polyposis 1. Last evaluated: 2024-03-18. Review status: criteria provided, single submitter. Criteria: Myriad Autosomal Dominant, Autosomal Recessive and X-Linked Classification Criteria (2023). Collection method: clinical testing. Allele origin: unknown.
Comment: This variant is considered benign. This variant is a silent/synonymous amino acid change and it is not expected to impact splicing.

All of Us Research Program, National Institutes of Health
Classification: Likely benign for Classic or attenuated familial adenomatous polyposis. Last evaluated: 2023-08-28. Review status: criteria provided, single submitter. Criteria: ACMG Guidelines, 2015. Collection method: clinical testing. Allele origin: germline. Inheritance: Autosomal dominant inheritance. Observed: 1 variant allele, 1 heterozygote.
Comment: This study involves interpretation of variants in research participants for the purpose of population health screening. Participant phenotype was not available at the time of variant classification. Additional details can be found in publication PMID: 35346344, PMCID: PMC8962531

Ambry Genetics
Classification: Likely benign for Hereditary cancer-predisposing syndrome. Last evaluated: 2022-03-24. Review status: criteria provided, single submitter. Criteria: Ambry Variant Classification Scheme 2023. Collection method: clinical testing. Allele origin: germline.

Labcorp Genetics (formerly Invitae), Labcorp
Classification: Likely benign for Familial adenomatous polyposis 1. Last evaluated: 2020-04-12. Review status: criteria provided, single submitter. Criteria: Invitae Variant Classification Sherloc (09022015). Collection method: clinical testing. Allele origin: germline.

NM_000038.6(APC):c.3366T>C (p.Asn1122=)

Gene: APC (APC regulator of Wnt signaling pathway; plus strand). Cytogenetic location: 5q22.2.
Variant type: single nucleotide variant.
Coding change: c.3366T>C on transcript NM_000038.6 (MANE Select); coding-DNA position 3366, T replaced by C.
Protein change: p.Asn1122=; no amino-acid change (asparagine 1122 retained).
Molecular consequence: synonymous variant.
Genome position (GRCh38, 1-based): chr5:112,838,960, T>C. VCF-style: chr5-112838960-T-C. GRCh37 (hg19) VCF-style: chr5-112174657-T-C.
Other names: c.3366T>C, p.Asn1122= (NM_001127510.3, NM_001354895.2); c.3312T>C, p.Asn1104= (NM_001127511.3); c.3420T>C, p.Asn1140= (NM_001354896.2); c.3396T>C, p.Asn1132= (NM_001354897.2); c.3291T>C, p.Asn1097= (NM_001354898.2); c.3282T>C, p.Asn1094= (NM_001354899.2); c.3243T>C, p.Asn1081= (NM_001354900.2); c.3189T>C, p.Asn1063= (NM_001354901.2); and 5 more.
Identifiers: ClinVar variation 1081741 (VCV001081741.13), dbSNP rs1765405918, ClinGen allele CA445963762.